The following is an entry in ClinVar:

NM_000053.4(ATP7B):c.1789G>A (p.Val597Ile)

Gene: ATP7B (ATPase copper transporting beta; minus strand). Cytogenetic location: 13q14.3.
Variant type: single nucleotide variant.
Coding change: c.1789G>A on transcript NM_000053.4 (MANE Select); coding-DNA position 1789, G replaced by A.
Protein change: p.Val597Ile; replaces valine 597 with isoleucine.
Molecular consequence: missense variant. On other transcripts: intron variant (3).
Genome position (GRCh38, 1-based): chr13:51,964,952, C>T on the plus strand (G>A on the coding strand, the complement: ATP7B is on the minus strand). VCF-style: chr13-51964952-C-T. GRCh37 (hg19) VCF-style: chr13-52539088-C-T.
Other names: c.1789G>A, p.Val597Ile (NM_001406513.1, NM_001406515.1, NM_001406516.1 and 24 more transcripts); c.1756G>A, p.Val586Ile (NM_001406514.1, NM_001406524.1); c.1693G>A, p.Val565Ile (NM_001406517.1, NM_001406518.1, NM_001406536.1 and 3 more transcripts); c.1360G>A, p.Val454Ile (NM_001406539.1); c.1285+8983G>A (NM_001406548.1); c.1707+3492G>A (NM_001406547.1, NM_001406545.1); c.1456G>A, p.Val486Ile (NM_001243182.2); short protein forms V454I, V486I, V565I, V586I, V597I.
Identifiers: ClinVar variation 4758491 (VCV004758491.1).
Genomic context (GRCh38, chr13:51,964,952, plus strand): 5'-CCCGTGGACCGATAATTTCCGGGTCAAACTTAACAAGGGCTTTGCTGGTGGCAAGGGCAA[C>T]GGAGGCATAAGTGATGCCATTTGTCCTCGTGAGTTTGGACTCTATGTTGTGGACACAGGA-3'
Protein context (NP_000044.2, residues 587-607): TRTNGITYAS[Val597Ile]ALATSKALVK

ClinVar aggregate classification (germline): Uncertain significance (1 of 4 stars; one submission).

Conditions:
Wilson disease (WND). Also called: Wilson's disease. Identifiers: Orphanet 905, MedGen C0019202, MONDO:0010200, OMIM 277900. Disease mechanism: loss of function.

gnomAD v4.1: 66 of 1,614,156 alleles (0.0041%); highest among the groups gnomAD compares: East Asian, 0.018%; no homozygotes.

Submission:

Color Diagnostics, LLC DBA Color Health
Classification: Uncertain significance for Wilson disease. Last evaluated: 2023-11-27. Review status: criteria provided, single submitter. Criteria: ACMG Guidelines, 2015. Collection method: clinical testing. Allele origin: germline.
Comment: This missense variant replaces valine with isoleucine at codon 597 of the ATP7B protein. Computational prediction tool indicates that this variant may have a neutral impact on protein structure and function. To our knowledge, functional studies have not been reported for this variant. This variant has not been reported in individuals affected with ATP7B-related disorders in the literature. This variant has been identified in 5/280972 chromosomes in the general population by the Genome Aggregation Database (gnomAD). The available evidence is insufficient to determine the role of this variant in disease conclusively. Therefore, this variant is classified as a Variant of Uncertain Significance.